The following is an entry in ClinVar:

NM_000516.7(GNAS):c.651C>T (p.Val217=)

Gene: GNAS (GNAS complex locus; plus strand). Cytogenetic location: 20q13.32.
Variant type: single nucleotide variant.
Coding change: c.651C>T on transcript NM_000516.7 (MANE Select); coding-DNA position 651, C replaced by T.
Protein change: p.Val217=; no amino-acid change (valine 217 retained).
Molecular consequence: synonymous variant. On other transcripts: 3 prime UTR variant (2).
Genome position (GRCh38, 1-based): chr20:58,909,415, C>T. VCF-style: chr20-58909415-C-T. GRCh37 (hg19) VCF-style: chr20-57484470-C-T.
Other names: c.654C>T, p.Val218= (NM_001077488.5); c.606C>T, p.Val202= (NM_001077489.4); c.*512C>T (NM_001077490.3); c.474C>T, p.Val158= (NM_001309840.2, NM_001309861.2); c.555C>T, p.Val185= (NM_001410912.1); c.2535C>T, p.Val845= (NM_001410913.1); c.*557C>T (NM_016592.5); c.2580C>T, p.Val860= (NM_080425.4); and 1 more.
Identifiers: ClinVar variation 2915891 (VCV002915891.3), dbSNP rs772404963, ClinGen allele CA9927177.

ClinVar aggregate classification (germline): Uncertain significance (1 of 4 stars; one submission).

Allele frequency attached by ClinVar (database versions not stated): gnomAD 0.00001; gnomAD exomes 0.00001; ExAC 0.00002.
gnomAD v4.1: 13 of 1,613,278 alleles (0.00081%); highest among the groups gnomAD compares: South Asian, 0.014%; no homozygotes.

Submission:

Labcorp Genetics (formerly Invitae), Labcorp
Classification: Uncertain significance. Last evaluated: 2022-11-06. Review status: criteria provided, single submitter. Criteria: Invitae Variant Classification Sherloc (09022015). Collection method: clinical testing. Allele origin: germline.
Comment: In summary, the available evidence is currently insufficient to determine the role of this variant in disease. Therefore, it has been classified as a Variant of Uncertain Significance. Algorithms developed to predict the effect of sequence changes on RNA splicing suggest that this variant may create or strengthen a splice site. This variant has not been reported in the literature in individuals affected with GNAS-related conditions. This variant is present in population databases (rs772404963, gnomAD 0.02%). This sequence change affects codon 217 of the GNAS mRNA. It is a 'silent' change, meaning that it does not change the encoded amino acid sequence of the GNAS protein.